The following is an entry in ClinVar:

NM_001099271.2(POC5):c.673A>G (p.Ile225Val)

Gene: POC5 (POC5 centriolar protein; minus strand). Cytogenetic location: 5q13.3.
Variant type: single nucleotide variant.
Coding change: c.673A>G on transcript NM_001099271.2 (MANE Select); coding-DNA position 673, A replaced by G.
Protein change: p.Ile225Val; replaces isoleucine 225 with valine.
Molecular consequence: missense variant.
Genome position (GRCh38, 1-based): chr5:75,694,672, T>C on the plus strand (A>G on the coding strand, the complement: POC5 is on the minus strand). VCF-style: chr5-75694672-T-C. GRCh37 (hg19) VCF-style: chr5-74990497-T-C.
Other names: c.598A>G, p.Ile200Val (NM_152408.3); short protein forms I200V, I225V.
Identifiers: ClinVar variation 2176799 (VCV002176799.4), dbSNP rs190991771, ClinGen allele CA3310525.

ClinVar aggregate classification (germline): Uncertain significance (1 of 4 stars; one submission).

Allele frequency attached by ClinVar (database versions not stated): gnomAD 0.00004; TOPMed 0.00006; ESP Exome Variant Server 0.00009; 1000 Genomes Project 30x 0.00016; ExAC 0.00019; 1000 Genomes Project 0.00020.
gnomAD v4.1: 55 of 1,561,926 alleles (0.0035%); highest among the groups gnomAD compares: Admixed American, 0.039%; no homozygotes.

Submission:

Labcorp Genetics (formerly Invitae), Labcorp
Classification: Uncertain significance. Last evaluated: 2025-10-20. Review status: criteria provided, single submitter. Criteria: Invitae Variant Classification Sherloc (09022015). Collection method: clinical testing. Allele origin: germline.
Comment: This sequence change replaces isoleucine, which is neutral and non-polar, with valine, which is neutral and non-polar, at codon 225 of the POC5 protein (p.Ile225Val). This variant is present in population databases (rs190991771, gnomAD 0.07%), and has an allele count higher than expected for a pathogenic variant. This variant has not been reported in the literature in individuals affected with POC5-related conditions. ClinVar contains an entry for this variant (Variation ID: 2176799). An algorithm developed to predict the effect of missense changes on protein structure and function (PolyPhen-2) suggests that this variant is likely to be tolerated. In summary, the available evidence is currently insufficient to determine the role of this variant in disease. Therefore, it has been classified as a Variant of Uncertain Significance.